The following continues an entry in ClinVar:

NM_000492.4(CFTR):c.1210-11T>G

ClinVar aggregate classification (germline): Pathogenic/Likely pathogenic; other. Pathogenic (20); Likely pathogenic (6).

Submissions 16 to 26 of 41:

Ambry Genetics
Classification: Pathogenic for Cystic fibrosis. Last evaluated: 2023-05-09. Review status: criteria provided, single submitter. Criteria: Ambry General Variant Classification Scheme_2022. Collection method: clinical testing. Allele origin: germline.
Comment: The 5T variant, located in intron 9 of the CFTR gene, is an alteration within the poly-thymidine tract, which decreases the efficiency of exon 10 splicing. The 5T variant in trans with a pathogenic CFTR mutation, or in the homozygous state, has been associated with CFTR-related disorders, including bronchiectasis (Sosnay PR et al. Pediatr. Clin. North Am., 2016 08;63:585-98), acute recurrent or chronic pancreatitis (Werlin S et al. J. Pediatr. Gastroenterol. Nutr., 2015 May;60:675-9; Masson E et al. PLoS ONE, 2013 Aug;8:e73522), and congenital bilateral absence of the vas deferens (CBAVD) (Bombieri C et al. J. Cyst. Fibros., 2011 Jun;10 Suppl 2:S86-102). The effect of 5T on exon 10 splicing is influenced by the adjacent TG tract, which usually consists of 11, 12, or 13 TG repeats. Increasing TG tract length correlates with decreased amount of full-length CFTR, thereby leading to higher likelihood of a cystic fibrosis phenotype (Sosnay PR et al. Pediatr. Clin. North Am., 2016 08;63:585-98); information regarding the number of TG repeats adjacent to the 5T allele is limited in pancreatitis and bronchiectasis research (Mantovani V et al. Clin. Chem., 2007 Mar;53:531-3; Bombieri C et al. J. Cyst. Fibros., 2011 Jun;10 Suppl 2:S86-102).

GeneDx
Classification: Pathogenic. Last evaluated: 2023-03-24. Review status: criteria provided, single submitter. Criteria: GeneDx Variant Classification Process June 2021. Collection method: clinical testing. Allele origin: germline. Affected: yes.
Comment: Classified as a variant of varying clinical consequence in a well-curated database (CFTR2); This variant is associated with the following publications: (PMID: 22427236, 18507830, 9435322, 23092102, 23554779, 28152038, 28801929, 14685937, 22430190, 7739684, 25033378, 23951356, 7573058, 7506096, 7684646, 1381723, 18306312, 14993601, 12068373, 17394391, 27488005, 28174639, 16778595, 27996019, 25383785, 26500004, 29216686, 26989879, 20560922, 29997923, 28546993, 23416327, 26253411, 17314234, 18616886, 27447098, 22842702, 20977904, 19812525, 15070876, 31180159, 34426522, 34782259)

AiLife Diagnostics
Classification: Pathogenic. Last evaluated: 2022-03-23. Review status: criteria provided, single submitter. Criteria: ACMG Guidelines, 2015. Collection method: clinical testing. Allele origin: germline. Affected: yes. Observed: 11 variant alleles.

Women's Health and Genetics/Laboratory Corporation of America, LabCorp
Classification: Pathogenic for Cystic fibrosis. Last evaluated: 2022-01-11. Review status: criteria provided, single submitter. Criteria: LabCorp Variant Classification Summary - May 2015. Collection method: clinical testing. Allele origin: germline.
Comment: Variant summary: CFTR c. c.1210-11T>G occurs in the poly T tract between the branch site and the acceptor site in intron 9 (legacy intron 8) of CFTR. This combined poly-T and TG tract genotype is also designated as TG12-5T. Variants that disrupt this tract (commonly referred to as "5T" variants, also called "c.1210-12T[5]" or "c.1210-7_1210-6del") have frequently been associated with CFTR-related diseases when found in compound heterozygosity with other pathogenic mutations in CFTR. CFTR c.1210-11T>G alters a non-conserved nucleotide located close to a canonical splice site and therefore could affect mRNA splicing, leading to a significantly altered protein sequence. 4/4 computational tools predict no significant impact on normal splicing. However, at least one functional study shows a moderate impact to proper CFTR mRNA expression by altering the splicing efficiency of exon 9 in vitro (Hefferon_2004). The variant allele was found at a frequency of 0.0086 in 237638 control chromosomes. This frequency is not significantly higher than expected for a pathogenic variant in CFTR causing CFTR-related diseases allowing no conclusion about variant significance. Similar 5T variants have been reported in the literature in numerous individuals affected with CF, CBAVD, and other CFTR-related diseases, but have also been found in unaffected controls when in compound heterozygosity with other pathogenic mutants in CFTR. (examples- Cuppens_1998, Noone_2001, Groman_2004, Sun_2006, Ratbi_2007, Tomaiudo_2010, Ballard_2015). The penetrance of 5T variants is influenced by the presence of other CFTR variants (e.g. p.R117H) and the length of the adjacent TG tract on the same allele (in cis). In most 5T CFTR genes, the number of TG repeats found in cis determines whether the amount of functional CFTR proteins that will be translated does fall above or below the critical level for normal CFTR function (Castellani_2008). Approximately 90% of the 5T CFTR genes found in CBAVD patients associate with TG12 or TG13, while about 10% associate with TG11 (Castellani_2008). In compound heterozygosity with a CF-causing mutation, or in homozygosity, R117H-5T generally results in pancreatic sufficient CF. A TG12-5T or TG13-5T CFTR gene found in compound heterozygosity with a CF-causing mutation, or possibly even in homozygosity, will in general result in a CFTR-related disorder, such as Congenital Bilateral Absence of the Vas Deferens (CBAVD) or chronic idiopathic pancreatitis. Some CBAVD patients may develop mild lung symptoms. In exceptional cases, TG12-5T and TG13-5T, may cause a mild form of CF. Three of five other ClinVar submitters (evaluation after 2014) have cited the variant as pathogenic. In addition, ACMG guidelines for reporting CFTR mutations consider the 5T allele as associated as a trans mutation in CBAVD (ACMG guideline_2011). Based on the evidence outlined above, the variant was classified as pathogenic.

Labcorp Genetics (formerly Invitae), Labcorp
Classification: Pathogenic for Cystic fibrosis. Last evaluated: 2021-12-15. Review status: criteria provided, single submitter. Criteria: Invitae Variant Classification Sherloc (09022015). Collection method: clinical testing. Allele origin: germline.
Comment: This sequence change, also referred to as 5T;TG12 or TG12-5T in the literature, consists of 12 TG and 5 T sequence repeats on the same chromosome, and is located in intron 9 of the CFTR gene. It does not directly change the encoded amino acid sequence of the CFTR protein. The frequency data for this variant in the population databases is considered unreliable, as metrics indicate poor data quality at this position in the gnomAD database. The TG[12]T[5] allele has been observed in males with congenital bilateral absence of the vas deferens (CBAVD) and in both males and females with cystic fibrosis (CF) when present on the opposite chromosome (in trans) from a severe pathogenic CFTR variant (PMID: 14685937). When this allele is observed in trans with a severe pathogenic CFTR variant, the penetrance of CFTR-related conditions (CBAVD and/or non-classic CF) is expected to be high (>90%); however, the penetrance of classic CF is low (<20%) (PMID: 14685937, 27447098). Individuals who are homozygous for this variant, or who have this variant in combination with TG[11]T[5], are likely to be asymptomatic (PMID: 34196078). Algorithms developed to predict the effect of variants on protein structure and function are not available or were not evaluated for this variant. Experimental studies demonstrate that the 5T allele leads to exclusion of exon 10 (referred to as exon 9 in some publications) from the mRNA, which ultimately results in a non-functional CFTR protein (PMID: 7691356, 7684641, 10556281, 14685937, 21658649). Importantly, the number of TG repeats (11, 12 or 13) modifies the extent of exon 10 skipping when in cis with the 5T allele (PMID: 14685937, 10556281, 9435322). In a mini-gene assay, the percentage of CFTR mRNA without exon 10 was 54% for TG[11]T[5], 72% for TG[12]T[5] and 100% for TG[13]T[5] (PMID: 10556281). For these reasons, this variant has been classified as Pathogenic.

Genome-Nilou Lab
Classification: Pathogenic for Cystic fibrosis. Last evaluated: 2021-06-10. Review status: criteria provided, single submitter. Criteria: ACMG Guidelines, 2015. Collection method: clinical testing. Allele origin: germline. Affected: no.

Baylor Genetics
Classification: Pathogenic for Congenital bilateral aplasia of vas deferens from CFTR mutation. Last evaluated: 2019-09-02. Review status: criteria provided, single submitter. Criteria: ACMG Guidelines, 2015. Collection method: clinical testing. Allele origin: unknown. Affected: yes.
Comment: This variant was determined to be pathogenic according to ACMG Guidelines, 2015 [PMID:25741868].

Mendelics
Classification: Pathogenic for Cystic fibrosis. Last evaluated: 2019-05-28. Review status: criteria provided, single submitter. Criteria: Mendelics Assertion Criteria 2017. Collection method: clinical testing. Allele origin: unknown.

Eurofins Ntd Llc (ga)
Classification: other. Last evaluated: 2016-05-19. Review status: criteria provided, single submitter. Criteria: EGL Classification Definitions 2015. Collection method: clinical testing. Allele origin: germline. Observed: 52 variant alleles, 17 heterozygotes.

Laboratory for Molecular Medicine, Mass General Brigham Personalized Medicine
Classification: Likely pathogenic for Cystic fibrosis; Congenital bilateral absence of vas deferens. Last evaluated: 2014-05-01. Review status: criteria provided, single submitter. Criteria: LMM Criteria. Collection method: clinical testing. Allele origin: germline. Inheritance: Autosomal recessive inheritance. Observed: 11 variant alleles.
Comment: The c.1210-34TG[12]T[5] in intron 9 of CFTR is a variant of the polymorphic TG[n ]T[m] region adjacent to exon 10. The TG[12]T[5] allele has been identified in 5 .9% (17/290) of Ashkenazi Jewish chromosomes, 3% (47/1472) of East Asian chromos omes by the Genome Aggregation Database (gnomAD, g/), and is known to affect mRNA splicing (Chu 1993). Studies have shown that lo nger TG repeat sizes (TG11, 12 and 13) in individuals with T[5] have a greater s usceptibility to disease than those with smaller TG repeat sizes when present in trans with a pathogenic CFTR variant (Chu 1992, Cuppens 1998, Groman 2004, Radp our 2007). The associated CF-related symptoms are congenital bilateral absence o f the vas deferens (CBAVD), male infertility, mild to classic forms of cystic fi brosis, with severity depending of the CF variant on the opposite allele (Chillo n 1995). In summary, the 1210-34TG[12]T[5] variant is likely pathogenic, though additional studies are required to fully establish its clinical significance. AC MG/AMP Criteria applied: PM3_Strong, PP3, PP4.

Juno Genomics, Hangzhou Juno Genomics, Inc
Classification: Pathogenic for Bronchiectasis with or without elevated sweat chloride 1; Hereditary pancreatitis; Congenital bilateral aplasia of vas deferens from CFTR mutation; Cystic fibrosis. Review status: criteria provided, single submitter. Criteria: ACMG Guidelines, 2015. Collection method: clinical testing. Allele origin: germline.
Comment: Null variant in a gene where loss of function (LOF) is a known mechanism of disease.;The prevalence of the variant in affected individuals is significantly increased compared to the prevalence in controls.;For recessive disorders, detected in trans with a pathogenic variant.